The following is an entry in ClinVar:

NM_000395.3(CSF2RB):c.2431G>A (p.Glu811Lys)

Gene: CSF2RB (colony stimulating factor 2 receptor subunit beta; plus strand). Cytogenetic location: 22q12.3.
Variant type: single nucleotide variant.
Coding change: c.2431G>A on transcript NM_000395.3 (MANE Select); coding-DNA position 2431, G replaced by A.
Protein change: p.Glu811Lys; replaces glutamic acid 811 with lysine.
Molecular consequence: missense variant.
Genome position (GRCh38, 1-based): chr22:36,938,239, G>A. VCF-style: chr22-36938239-G-A. GRCh37 (hg19) VCF-style: chr22-37334281-G-A.
Other names: short protein forms E811K.
Identifiers: ClinVar variation 504875 (VCV000504875.10), dbSNP rs144413438, ClinGen allele CA10214124.

ClinVar aggregate classification (germline): Uncertain significance. Review status: criteria provided, multiple submitters, no conflicts (2 of 4 stars). 3 submissions from 3 submitters: Uncertain significance (3). Last evaluated 2026-01-21.

Conditions:
Inborn genetic diseases. Identifiers: MedGen C0950123, MeSH D030342.

Allele frequency attached by ClinVar (database versions not stated): TOPMed 0.00009; gnomAD exomes 0.00010 and 0.00012; gnomAD 0.00013 and 0.00014; ExAC 0.00007; ESP Exome Variant Server 0.00008.

Submissions (3):

Labcorp Genetics (formerly Invitae), Labcorp
Classification: Uncertain significance. Last evaluated: 2026-01-21. Review status: criteria provided, single submitter. Criteria: Invitae Variant Classification Sherloc (09022015). Collection method: clinical testing. Allele origin: germline.
Comment: This sequence change replaces glutamic acid, which is acidic and polar, with lysine, which is basic and polar, at codon 811 of the CSF2RB protein (p.Glu811Lys). This variant is present in population databases (rs144413438, gnomAD 0.02%). This variant has not been reported in the literature in individuals affected with CSF2RB-related conditions. ClinVar contains an entry for this variant (Variation ID: 504875). Invitae Evidence Modeling of protein sequence and biophysical properties (such as structural, functional, and spatial information, amino acid conservation, physicochemical variation, residue mobility, and thermodynamic stability) indicates that this missense variant is not expected to disrupt CSF2RB protein function with a negative predictive value of 80%. In summary, the available evidence is currently insufficient to determine the role of this variant in disease. Therefore, it has been classified as a Variant of Uncertain Significance.

Ambry Genetics
Classification: Uncertain significance for Inborn genetic diseases. Last evaluated: 2024-02-27. Review status: criteria provided, single submitter. Criteria: Ambry Variant Classification Scheme 2023. Collection method: clinical testing. Allele origin: germline.

Laboratory for Molecular Medicine, Mass General Brigham Personalized Medicine
Classification: Uncertain significance. Last evaluated: 2017-04-10. Review status: criteria provided, single submitter. Criteria: LMM Criteria. Collection method: clinical testing. Allele origin: germline. Observed: 1 variant allele.
Comment: Variant classified as Uncertain Significance - Favor Benign. The p.Glu811Lys var iant in CSF2RB has not been previously reported in individuals with pulmonary di sease, but has been identified in 8/66686 European chromosomes by the Exome Aggr egation Consortium (ExAC; dbSNP rs144413438). Gl utamic acid (Glu) at position 811 is not conserved in mammals or evolutionarily distant species and 2 mammals (rabbit and elephant) carry a lysine (Lys) at this position, raising the possibility that this change may be tolerated. In summary , while the clinical significance of the p.Glu811Lys variant is uncertain, these data suggest that it is more likely to be benign.